The following is an entry in ClinVar:

ClinVar aggregate classification (germline): Likely benign. Review status: criteria provided, multiple submitters, no conflicts (2 of 4 stars). 3 submissions from 3 submitters: Likely benign (3). Last evaluated 2025-09-03.

Conditions:
Cardiovascular phenotype. Identifiers: MedGen CN230736.
Autosomal recessive limb-girdle muscular dystrophy type 2J (LGMDR10). Also called: Limb-girdle muscular dystrophy, type 2J; MUSCULAR DYSTROPHY, LIMB-GIRDLE, AUTOSOMAL RECESSIVE 10. Identifiers: Orphanet 140922, MedGen C1837342, MONDO:0012127, OMIM 608807.
Dilated cardiomyopathy 1G (CMD1G). Identifiers: Orphanet 154, MedGen C1858763, MONDO:0011400, OMIM 604145.

Allele frequency attached by ClinVar (database versions not stated): gnomAD exomes below 0.00001; ExAC 0.00001; gnomAD 0.00003; TOPMed 0.00003; ESP Exome Variant Server 0.00008.

Submissions (3):

Labcorp Genetics (formerly Invitae), Labcorp
Classification: Likely benign for Dilated cardiomyopathy 1G; Autosomal recessive limb-girdle muscular dystrophy type 2J. Last evaluated: 2025-09-03. Review status: criteria provided, single submitter. Criteria: Invitae Variant Classification Sherloc (09022015). Collection method: clinical testing. Allele origin: germline.

Ambry Genetics
Classification: Likely benign for Cardiovascular phenotype. Last evaluated: 2022-09-12. Review status: criteria provided, single submitter. Criteria: Ambry Variant Classification Scheme 2023. Collection method: clinical testing. Allele origin: germline.

Laboratory for Molecular Medicine, Mass General Brigham Personalized Medicine
Classification: Likely benign. Last evaluated: 2015-10-01. Review status: criteria provided, single submitter. Criteria: LMM Criteria. Collection method: clinical testing. Allele origin: germline. Observed: 1 variant allele.
Comment: p.Arg19700Arg in exon 266 of TTN: This variant is not expected to have clinical significance because it does not alter an amino acid residue and is not located within the splice consensus sequence. It has been identified in 1/9250 African c hromosomes by the Exome Aggregation Consortium (ExAC .org; dbSNP rs370501197).

NM_001267550.2(TTN):c.66804G>A (p.Arg22268=)

Genes: TTN (titin; minus strand), TTN-AS1 (TTN antisense RNA 1; plus strand). Cytogenetic location: 2q31.2.
Variant type: single nucleotide variant.
Coding change: c.66804G>A on transcript NM_001267550.2 (MANE Select); coding-DNA position 66804, G replaced by A.
Protein change: p.Arg22268=; no amino-acid change (arginine 22268 retained).
Molecular consequence: synonymous variant.
Genome position (GRCh38, 1-based): chr2:178,580,575, C>T on the plus strand (G>A on the coding strand, the complement: TTN is on the minus strand). VCF-style: chr2-178580575-C-T. GRCh37 (hg19) VCF-style: chr2-179445302-C-T.
Other names: c.59100G>A, p.Arg19700= (NM_133378.4); c.61881G>A, p.Arg20627= (NM_001256850.1); c.39609G>A, p.Arg13203= (NM_003319.4); c.39984G>A, p.Arg13328= (NM_133432.3); c.40185G>A, p.Arg13395= (NM_133437.4).
Identifiers: ClinVar variation 228130 (VCV000228130.10), dbSNP rs370501197, ClinGen allele CA1991425.
Genomic context (GRCh38, chr2:178,580,575, plus strand): 5'-GCGTCCTTTTACTGGTACATATAGTCTCATAGTAACTCCAGCACGTAATATGAGTGTCTT[C>T]CTTAAGTCCGCATCAAGTTCTCCCTCAGGTGGAACTGTTTAATTTTGGGTGAAGAAGTTA-3'
Protein context (NP_001254479.2, residues 22258-22278): PPEGELDADL[Arg22268=]KTLILRAGVT